The following is an entry in ClinVar:

NM_207370.4(GPR153):c.963C>T (p.Asp321=)

Gene: GPR153 (G protein-coupled receptor 153; minus strand). Cytogenetic location: 1p36.31.
Variant type: single nucleotide variant.
Coding change: c.963C>T on transcript NM_207370.4 (MANE Select); coding-DNA position 963, C replaced by T.
Protein change: p.Asp321=; no amino-acid change (aspartic acid 321 retained).
Molecular consequence: synonymous variant.
Genome position (GRCh38, 1-based): chr1:6,251,354, G>A on the plus strand (C>T on the coding strand, the complement: GPR153 is on the minus strand). VCF-style: chr1-6251354-G-A. GRCh37 (hg19) VCF-style: chr1-6311414-G-A.
Identifiers: ClinVar variation 2638121 (VCV002638121.24), dbSNP rs141324744, ClinGen allele CA558856.

ClinVar aggregate classification (germline): Likely benign (1 of 4 stars; one submission).

Allele frequency attached by ClinVar (database versions not stated): 1000 Genomes Project 30x 0.00109; 1000 Genomes Project 0.00120; gnomAD 0.00097; ESP Exome Variant Server 0.00100; TOPMed 0.00121; ExAC 0.00138.

Submission:

CeGaT Center for Human Genetics Tuebingen
Classification: Likely benign. Last evaluated: 2022-04-01. Review status: criteria provided, single submitter. Criteria: CeGaT Center For Human Genetics Tuebingen Variant Classification Criteria Version 2. Collection method: clinical testing. Allele origin: germline. Affected: yes. Observed: 1 variant allele.
Comment: GPR153: BP4, BP7